The following is an entry in ClinVar:

NM_000090.4(COL3A1):c.785T>C (p.Met262Thr)

Gene: COL3A1 (collagen type III alpha 1 chain; plus strand). Cytogenetic location: 2q32.2.
Variant type: single nucleotide variant.
Coding change: c.785T>C on transcript NM_000090.4 (MANE Select); coding-DNA position 785, T replaced by C.
Protein change: p.Met262Thr; replaces methionine 262 with threonine.
Molecular consequence: missense variant.
Genome position (GRCh38, 1-based): chr2:188,990,347, T>C. VCF-style: chr2-188990347-T-C. GRCh37 (hg19) VCF-style: chr2-189855073-T-C.
Other names: short protein forms M262T.
Identifiers: ClinVar variation 922684 (VCV000922684.5), dbSNP rs772713162, ClinGen allele CA076876.
Genomic context (GRCh38, chr2:188,990,347, plus strand): 5'-TTTTCATTCATTATTTTTAGGGTATCAAAGGTCCAGCTGGGATACCTGGATTCCCTGGTA[T>C]GAAAGGACACAGAGTAAGTAGAGTTTCTAAGTTGTTTACAAGGTATTCCACTGGGCTATG-3'
Protein context (NP_000081.2, residues 252-272): GPAGIPGFPG[Met262Thr]KGHRGFDGRN

ClinVar aggregate classification (germline): Uncertain significance. Review status: criteria provided, multiple submitters, no conflicts (2 of 4 stars). 2 submissions from 2 submitters: Uncertain significance (2). Last evaluated 2024-03-06.

Conditions:
Ehlers-Danlos syndrome, type 4 (EDSVASC). Also called: Ehlers-Danlos Syndrome Type IV; Ehlers-Danlos syndrome vascular type; Ehlers Danlos syndrome, ecchymotic type; Ehlers Danlos syndrome, arterial type; Ehlers Danlos syndrome, Sack-Barabas type. Identifiers: Orphanet 286, MedGen C0268338, MONDO:0017314, OMIM 130050.
Polymicrogyria with or without vascular-type Ehlers-Danlos syndrome. Identifiers: Orphanet 636941, MedGen C5193040, MONDO:0032688, OMIM 618343.
Familial thoracic aortic aneurysm and aortic dissection (TAAD). Also called: Thoracic aortic aneurysms and dissections. Identifiers: Orphanet 91387, MedGen C4707243, MONDO:0019625.

Allele frequency attached by ClinVar (database versions not stated): gnomAD exomes below 0.00001; TOPMed below 0.00001; ExAC 0.00001; gnomAD 0.00001.
gnomAD v4.1: 3 of 1,613,050 alleles (0.00019%); highest among the groups gnomAD compares: African/African-American, 0.0013%; no homozygotes.

Submissions (2):

Color Diagnostics, LLC DBA Color Health
Classification: Uncertain significance for Familial thoracic aortic aneurysm and aortic dissection. Last evaluated: 2024-03-06. Review status: criteria provided, single submitter. Criteria: ACMG Guidelines, 2015. Collection method: clinical testing. Allele origin: germline.
Comment: This missense variant replaces methionine with threonine at codon 262 of the COL3A1 protein. Computational prediction suggests that this variant may not impact protein structure and function (internally defined REVEL score threshold <= 0.5, PMID: 27666373). Splice site prediction tools suggest that this variant may not impact RNA splicing. To our knowledge, functional studies have not been reported for this variant. This variant has not been reported in individuals affected with cardiovascular disorders in the literature. This variant has been identified in 1/250010 chromosomes in the general population by the Genome Aggregation Database (gnomAD). The available evidence is insufficient to determine the role of this variant in disease conclusively. Therefore, this variant is classified as a Variant of Uncertain Significance.

Fulgent Genetics
Classification: Uncertain significance for Ehlers-Danlos syndrome, type 4; Polymicrogyria with or without vascular-type Ehlers-Danlos syndrome. Last evaluated: 2021-10-27. Review status: criteria provided, single submitter. Criteria: ACMG Guidelines, 2015. Collection method: clinical testing. Allele origin: unknown.